The following is an entry in ClinVar:

NM_000553.6(WRN):c.1229A>G (p.Gln410Arg)

Gene: WRN (WRN RecQ like helicase; plus strand). Cytogenetic location: 8p12.
Variant type: single nucleotide variant.
Coding change: c.1229A>G on transcript NM_000553.6 (MANE Select); coding-DNA position 1229, A replaced by G.
Protein change: p.Gln410Arg; replaces glutamine 410 with arginine.
Molecular consequence: missense variant.
Genome position (GRCh38, 1-based): chr8:31,081,256, A>G. VCF-style: chr8-31081256-A-G. GRCh37 (hg19) VCF-style: chr8-30938772-A-G.
Other names: short protein forms Q410R.
Identifiers: ClinVar variation 1499959 (VCV001499959.6), dbSNP rs1450020287, ClinGen allele CA370921367.

ClinVar aggregate classification (germline): Uncertain significance (1 of 4 stars; one submission).

Conditions:
Werner syndrome (WRN). Identifiers: Orphanet 902, MedGen C0043119, MONDO:0010196, OMIM 277700.

Allele frequency attached by ClinVar (database versions not stated): gnomAD exomes below 0.00001.
gnomAD v4.1: 1 of 1,613,248 alleles (0.000062%); highest among the groups gnomAD compares: Non-Finnish European, 0.000085%; no homozygotes.

Submission:

Labcorp Genetics (formerly Invitae), Labcorp
Classification: Uncertain significance for Werner syndrome. Last evaluated: 2021-04-30. Review status: criteria provided, single submitter. Criteria: Invitae Variant Classification Sherloc (09022015). Collection method: clinical testing. Allele origin: germline.
Comment: In summary, the available evidence is currently insufficient to determine the role of this variant in disease. Therefore, it has been classified as a Variant of Uncertain Significance. Algorithms developed to predict the effect of missense changes on protein structure and function output the following: SIFT: "Not Available"; PolyPhen-2: "Benign"; Align-GVGD: "Not Available". The arginine amino acid residue is found in multiple mammalian species, suggesting that this missense change does not adversely affect protein function. These predictions have not been confirmed by published functional studies and their clinical significance is uncertain. This variant has not been reported in the literature in individuals with WRN-related conditions. This variant is not present in population databases (ExAC no frequency). This sequence change replaces glutamine with arginine at codon 410 of the WRN protein (p.Gln410Arg). The glutamine residue is weakly conserved and there is a small physicochemical difference between glutamine and arginine.